The following is an entry in ClinVar:

ClinVar aggregate classification (germline): Uncertain significance (1 of 4 stars; one submission).

Conditions:
Inborn genetic diseases. Identifiers: MedGen C0950123, MeSH D030342.

Submission:

Ambry Genetics
Classification: Uncertain significance for Inborn genetic diseases. Last evaluated: 2021-06-25. Review status: criteria provided, single submitter. Criteria: Ambry Variant Classification Scheme 2023. Collection method: clinical testing. Allele origin: germline.
Comment: The c.15_29dupGATGGCGGCAGCGGC (p.M6_A10dup) alteration is located in exon 1 (coding exon 1) of the ADPRHL2 gene. The alteration consists of an in-frame duplication of 15 nucleotides from position 15 to 29, resulting in the duplication of 5 residues. Based on insufficient or conflicting evidence, the clinical significance of this alteration remains unclear.

NM_017825.3(ADPRS):c.15_29dup (p.Ala10_Gly11insMetAlaAlaAlaAla)

Gene: ADPRS (ADP-ribosylserine hydrolase; plus strand). Cytogenetic location: 1p34.3.
Variant type: Duplication.
Coding change: c.15_29dup on transcript NM_017825.3 (MANE Select); coding-DNA positions 15 to 29, 15 bases duplicated (GATGGCGGCAGCGGC).
Protein change: p.Ala10_Gly11insMetAlaAlaAlaAla.
Molecular consequence: inframe insertion.
Genome position (GRCh38, 1-based): chr1:36,088,919-36,088,933, GATGGCGGCAGCGGC duplicated; duplicating any 15 consecutive bases within chr1:36,088,911-36,088,933 gives the same sequence; the c. name uses the placement nearest the transcript's 3' end. VCF-style (leftmost placement, unchanged base first): chr1-36088910-C-CGCAGCGGCGATGGCG. GRCh37 (hg19) VCF-style: chr1-36554511-C-CGCAGCGGCGATGGCG.
Identifiers: ClinVar variation 3090396 (VCV003090396.1), dbSNP rs748995403, ClinGen allele CA764473.